The following is an entry in ClinVar:

ClinVar aggregate classification (germline): Conflicting classifications of pathogenicity. Review status: criteria provided, conflicting classifications (1 of 4 stars). 9 submissions from 9 submitters: Uncertain significance (2); Likely benign (7). Last evaluated 2026-03-01.

Conditions:
Connective tissue disorder. Also called: Connective tissue disease. Identifiers: MedGen C0009782, MONDO:0003900.
Inborn genetic diseases. Identifiers: MedGen C0950123, MeSH D030342.
Achondrogenesis, type IA (ACG1A). Identifiers: Orphanet 932, Orphanet 93299, MedGen C0265273, MONDO:0008701, OMIM 200600.

Allele frequency attached by ClinVar (database versions not stated): 1000 Genomes Project 30x 0.00062; 1000 Genomes Project 0.00080; gnomAD 0.00182 and 0.00232; gnomAD exomes 0.00200 and 0.00265; ExAC 0.00227; TOPMed 0.00231; ESP Exome Variant Server 0.00246.
gnomAD v4.1: 4,208 of 1,613,582 alleles (0.26%); highest among the groups gnomAD compares: Middle Eastern, 0.32%; 11 homozygotes.

Submissions (9):

CeGaT Center for Human Genetics Tuebingen
Classification: Likely benign. Last evaluated: 2026-03-01. Review status: criteria provided, single submitter. Criteria: CeGaT Center For Human Genetics Tuebingen Variant Classification Criteria Version 2. Collection method: clinical testing. Allele origin: germline. Affected: yes. Observed: 2 variant alleles.
Comment: TRIP11: BP4, BS2

Labcorp Genetics (formerly Invitae), Labcorp
Classification: Likely benign for Achondrogenesis, type IA. Last evaluated: 2026-01-28. Review status: criteria provided, single submitter. Criteria: Invitae Variant Classification Sherloc (09022015). Collection method: clinical testing. Allele origin: germline.

Blueprint Genetics
Classification: Likely benign. Last evaluated: 2024-11-23. Review status: criteria provided, single submitter. Criteria: ACMG Guidelines, 2015. Collection method: clinical testing. Allele origin: germline.

ARUP Laboratories, Molecular Genetics and Genomics, ARUP Laboratories
Classification: Likely benign. Last evaluated: 2023-09-11. Review status: criteria provided, single submitter. Criteria: ARUP Molecular Germline Variant Investigation Process 2024. Collection method: clinical testing. Allele origin: germline.

Ambry Genetics
Classification: Uncertain significance for Inborn genetic diseases. Last evaluated: 2021-07-20. Review status: criteria provided, single submitter. Criteria: Ambry Variant Classification Scheme 2023. Collection method: clinical testing. Allele origin: germline.

GeneDx
Classification: Likely benign. Last evaluated: 2021-03-08. Review status: criteria provided, single submitter. Criteria: GeneDx Variant Classification Process June 2021. Collection method: clinical testing. Allele origin: germline. Affected: yes.
Comment: In silico analysis, which includes protein predictors and evolutionary conservation, supports that this variant does not alter protein structure/function; Has not been previously published as pathogenic or benign to our knowledge

Genome Diagnostics Laboratory, The Hospital for Sick Children
Classification: Likely benign for Connective tissue disorder. Last evaluated: 2020-06-01. Review status: criteria provided, single submitter. Criteria: ACMG Guidelines, 2015. Collection method: clinical testing. Allele origin: germline.

Illumina Laboratory Services, Illumina
Classification: Likely benign for Achondrogenesis, type IA. Last evaluated: 2018-01-12. Review status: criteria provided, single submitter. Criteria: ICSL Variant Classification Criteria 13 December 2019. Collection method: clinical testing. Allele origin: germline.
Comment: This variant was observed in the ICSL laboratory as part of a predisposition screen in an ostensibly healthy population. It had not been previously curated by ICSL or reported in the Human Gene Mutation Database (HGMD: prior to June 1st, 2018), and was therefore a candidate for classification through an automated scoring system. Utilizing variant allele frequency, disease prevalence and penetrance estimates, and inheritance mode, an automated score was calculated to assess if this variant is too frequent to cause the disease. Based on the score and internal cut-off values, a variant classified as likely benign is not then subjected to further curation. The score for this variant resulted in a classification of likely benign for this disease.

Eurofins Ntd Llc (ga)
Classification: Uncertain significance. Last evaluated: 2017-02-03. Review status: criteria provided, single submitter. Criteria: EGL Classification Definitions 2015. Collection method: clinical testing. Allele origin: germline. Observed: 3 variant alleles, 3 heterozygotes.

NM_004239.4(TRIP11):c.5137G>C (p.Glu1713Gln)

Gene: TRIP11 (thyroid hormone receptor interactor 11; minus strand). Cytogenetic location: 14q32.12.
Variant type: single nucleotide variant.
Coding change: c.5137G>C on transcript NM_004239.4 (MANE Select); coding-DNA position 5137, G replaced by C.
Protein change: p.Glu1713Gln; replaces glutamic acid 1713 with glutamine.
Molecular consequence: missense variant.
Genome position (GRCh38, 1-based): chr14:91,993,832, C>G on the plus strand (G>C on the coding strand, the complement: TRIP11 is on the minus strand). VCF-style: chr14-91993832-C-G. GRCh37 (hg19) VCF-style: chr14-92460176-C-G.
Other names: c.5134G>C, p.Glu1712Gln (NM_001321851.1); short protein forms E1713Q, E1712Q.
Identifiers: ClinVar variation 194506 (VCV000194506.53), dbSNP rs137974620, ClinGen allele CA240512.
Genomic context (GRCh38, chr14:91,993,832, plus strand): 5'-ATAATAAAACCTACAAGAGAAAACTATTTTGTCCTACCTGTAATGATATCACTTTTCCTT[C>G]CAGATTTTCTGCGTTTTTCTTCCATTCAGCTATAAGCTGTTTTTGCTTTTCGAGTTCAGC-3'
Protein context (NP_004230.2, residues 1703-1723): AEWKKNAENL[Glu1713Gln]GKVISLQECL